The following is an entry in ClinVar:

NM_198904.4(GABRG2):c.1403A>G (p.Tyr468Cys)

Gene: GABRG2 (gamma-aminobutyric acid type A receptor subunit gamma2; plus strand). Cytogenetic location: 5q34.
Variant type: single nucleotide variant.
Coding change: c.1403A>G on transcript NM_198904.4 (MANE Select); coding-DNA position 1403, A replaced by G.
Protein change: p.Tyr468Cys; replaces tyrosine 468 with cysteine.
Molecular consequence: missense variant. On other transcripts: 3 prime UTR variant (1).
Genome position (GRCh38, 1-based): chr5:162,153,343, A>G. VCF-style: chr5-162153343-A-G. GRCh37 (hg19) VCF-style: chr5-161580349-A-G.
Other names: c.1379A>G, p.Tyr460Cys (NM_000816.3); c.1394A>G, p.Tyr465Cys (NM_001375339.1); c.*237A>G (NM_001375340.1); c.1400A>G, p.Tyr467Cys (NM_001375341.1); c.1376A>G, p.Tyr459Cys (NM_001375342.1); c.1499A>G, p.Tyr500Cys (NM_001375343.1); c.1442A>G, p.Tyr481Cys (NM_001375344.1); c.1313A>G, p.Tyr438Cys (NM_001375345.1); and 6 more; short protein forms Y320C, Y328C, Y365C, Y438C, Y439C, Y446C, Y459C, Y460C.
Identifiers: ClinVar variation 1309068 (VCV001309068.4), dbSNP rs749946230, ClinGen allele CA3544997.

ClinVar aggregate classification (germline): Conflicting classifications of pathogenicity. Review status: criteria provided, conflicting classifications (1 of 4 stars). 3 submissions from 3 submitters: Pathogenic (1); Uncertain significance (2). Last evaluated 2024-09-06.

Conditions:
Developmental and epileptic encephalopathy, 74. Also called: EPILEPTIC ENCEPHALOPATHY, EARLY INFANTILE, 74. Identifiers: MedGen C5193074, MONDO:0032725, OMIM 618396.
EPILEPSY, CHILDHOOD ABSENCE, SUSCEPTIBILITY TO, 2 (ECA2). Identifiers: Orphanet 64280, MedGen C1843244, OMIM 607681.
Febrile seizures, familial, 8 (FEB8). Also called: CONVULSIONS, FAMILIAL FEBRILE, 8. Identifiers: Orphanet 36387, MedGen C1969810, MONDO:0011891, OMIM 607681.

Allele frequency attached by ClinVar (database versions not stated): gnomAD exomes below 0.00001; ExAC 0.00001.
gnomAD v4.1: 1 of 1,613,876 alleles (0.000062%); highest among the groups gnomAD compares: South Asian, 0.0011%; no homozygotes.

Submissions (3):

Labcorp Genetics (formerly Invitae), Labcorp
Classification: Pathogenic for Febrile seizures, familial, 8; EPILEPSY, CHILDHOOD ABSENCE, SUSCEPTIBILITY TO, 2. Last evaluated: 2024-09-06. Review status: criteria provided, single submitter. Criteria: Invitae Variant Classification Sherloc (09022015). Collection method: clinical testing. Allele origin: germline.
Comment: This sequence change replaces tyrosine, which is neutral and polar, with cysteine, which is neutral and slightly polar, at codon 460 of the GABRG2 protein (p.Tyr460Cys). This variant is present in population databases (rs749946230, gnomAD 0.003%). This missense change has been observed in individual(s) with clinical features of GABRG2-related conditions (PMID: 35586607, 36979350; internal data). In at least one individual the variant was observed to be de novo. This variant is also known as p.Tyr508Cys, p.Tyr468Cys. ClinVar contains an entry for this variant (Variation ID: 1309068). Invitae Evidence Modeling of protein sequence and biophysical properties (such as structural, functional, and spatial information, amino acid conservation, physicochemical variation, residue mobility, and thermodynamic stability) indicates that this missense variant is expected to disrupt GABRG2 protein function with a positive predictive value of 95%. For these reasons, this variant has been classified as Pathogenic.

Institute of Human Genetics, University of Leipzig Medical Center
Classification: Uncertain significance for Developmental and epileptic encephalopathy, 74. Last evaluated: 2022-12-21. Review status: criteria provided, single submitter. Criteria: ACMG Guidelines, 2015. Collection method: clinical testing. Allele origin: unknown. Affected: yes.
Comment: _x000D_ Criteria applied: PP3

GeneDx
Classification: Uncertain significance. Last evaluated: 2019-10-11. Review status: criteria provided, single submitter. Criteria: GeneDx Variant Classification Process June 2021. Collection method: clinical testing. Allele origin: germline. Affected: yes.
Comment: Not observed at a significant frequency in large population cohorts (Lek et al., 2016); In silico analysis, which includes protein predictors and evolutionary conservation, supports a deleterious effect; Has not been previously published as pathogenic or benign to our knowledge

Literature cited by the submitters: PubMed 35586607 (cited by Labcorp Genetics (formerly Invitae), Labcorp); PubMed 36979350 (cited by Labcorp Genetics (formerly Invitae), Labcorp).